The following is an entry in ClinVar:

ClinVar aggregate classification (germline): Uncertain significance (1 of 4 stars; one submission).

Conditions:
SETD5-related disorder. Also called: SETD5-related disorders; SETD5-related condition.

Submission:

PreventionGenetics, part of Exact Sciences
Classification: Uncertain significance for SETD5-related condition. Last evaluated: 2023-06-09. Review status: criteria provided, single submitter. Criteria: ACMG Guidelines, 2015. Collection method: clinical testing. Allele origin: germline.
Comment: The SETD5 c.19C>G variant is predicted to result in the amino acid substitution p.Leu7Val. To our knowledge, this variant has not been reported in the literature or in a large population database, indicating this variant is rare. At this time, the clinical significance of this variant is uncertain due to the absence of conclusive functional and genetic evidence.

NM_001080517.3(SETD5):c.19C>G (p.Leu7Val)

Gene: SETD5 (SET domain containing 5; plus strand). Cytogenetic location: 3p25.3.
Variant type: single nucleotide variant.
Coding change: c.19C>G on transcript NM_001080517.3 (MANE Select); coding-DNA position 19, C replaced by G.
Protein change: p.Leu7Val; replaces leucine 7 with valine.
Molecular consequence: missense variant. On other transcripts: 5 prime UTR variant (2).
Genome position (GRCh38, 1-based): chr3:9,428,957, C>G. VCF-style: chr3-9428957-C-G. GRCh37 (hg19) VCF-style: chr3-9470641-C-G.
Other names: c.-540C>G (NM_001292043.2); c.-581C>G (NM_001349451.2); short protein forms L7V.
Identifiers: ClinVar variation 2632388 (VCV002632388.1), dbSNP rs2472288060, ClinGen allele CA351678991.